The following is an entry in ClinVar:

ClinVar aggregate classification (germline): Likely pathogenic. Review status: criteria provided, single submitter (1 of 4 stars). 3 submissions from 3 submitters: Likely pathogenic (1). 2 of the submissions do not count toward it. Last evaluated 2025-10-24.

Conditions:
ALPL-related disorder. Also called: ALPL-related condition; ALPL-related disorders.
Infantile hypophosphatasia. Identifiers: Orphanet 247651, Orphanet 436, MedGen C0268412, MONDO:1010169, OMIM 241500, MONDO:0009427.

Allele frequency attached by ClinVar (database versions not stated): gnomAD exomes below 0.00001; ExAC 0.00001.
gnomAD v4.1: 1 of 1,613,500 alleles (0.000062%); highest among the groups gnomAD compares: Non-Finnish European, 0.000085%; no homozygotes.

Submissions (4):

Labcorp Genetics (formerly Invitae), Labcorp
Classification: Likely pathogenic. Last evaluated: 2025-10-24. Review status: criteria provided, single submitter. Criteria: Invitae Variant Classification Sherloc (09022015). Collection method: clinical testing. Allele origin: germline.
Comment: This sequence change affects a donor splice site in intron 2 of the ALPL gene. It is expected to disrupt RNA splicing. Variants that disrupt the donor or acceptor splice site typically lead to a loss of protein function (PMID: 16199547), and loss-of-function variants in ALPL are known to be pathogenic (PMID: 3174660, 10679946, 32973344, 33814268). This variant is present in population databases (rs764322898, gnomAD 0.0009%). This variant has not been reported in the literature in individuals affected with ALPL-related conditions. ClinVar contains an entry for this variant (Variation ID: 370303). Algorithms developed to predict the effect of sequence changes on RNA splicing suggest that this variant may disrupt the consensus splice site. In summary, the currently available evidence indicates that the variant is pathogenic, but additional data are needed to prove that conclusively. Therefore, this variant has been classified as Likely Pathogenic.

PreventionGenetics, part of Exact Sciences
Classification: Likely pathogenic for ALPL-related condition. Last evaluated: 2024-01-23. Review status: no assertion criteria provided. Collection method: clinical testing. Allele origin: germline. Not counted in ClinVar's aggregate classification.
Comment: The ALPL c.61+2T>G variant is predicted to disrupt the GT donor site and interfere with normal splicing. To our knowledge, this variant has not been reported in the literature. This variant is reported in 0.00088% of alleles in individuals of European (Non-Finnish) descent in gnomAD, indicating this variant is rare. Variants that disrupt the consensus splice acceptor site in ALPL are expected to be pathogenic. This variant is interpreted as likely pathogenic.

Counsyl
Classification: Likely pathogenic for Infantile hypophosphatasia. Last evaluated: 2016-01-07. Review status: no assertion criteria provided. Collection method: clinical testing. Allele origin: unknown. Not counted in ClinVar's aggregate classification.

Dr. Peter K. Rogan Lab, Western University
No classification provided (evidence only). Condition: Ovarian serous cystadenocarcinoma. Review status: no classification provided. Collection method: in vitro. Allele origin: not applicable. Functional consequence: retained intron. Not counted in ClinVar's aggregate classification.

Literature cited by the submitters: PubMed 16199547 (cited by Labcorp Genetics (formerly Invitae), Labcorp); PubMed 3174660 (cited by Labcorp Genetics (formerly Invitae), Labcorp); PubMed 10679946 (cited by Labcorp Genetics (formerly Invitae), Labcorp); PubMed 32973344 (cited by Labcorp Genetics (formerly Invitae), Labcorp); PubMed 33814268 (cited by Labcorp Genetics (formerly Invitae), Labcorp).

NM_000478.6(ALPL):c.61+2T>G

Gene: ALPL (alkaline phosphatase, biomineralization associated; plus strand). Cytogenetic location: 1p36.12.
Variant type: single nucleotide variant.
Coding change: c.61+2T>G on transcript NM_000478.6 (MANE Select); the canonical splice donor site of the intron after coding-DNA position 61, T replaced by G.
Molecular consequence: splice donor variant. On other transcripts: intron variant (2).
Genome position (GRCh38, 1-based): chr1:21,554,144, T>G. VCF-style: chr1-21554144-T-G. GRCh37 (hg19) VCF-style: chr1-21880637-T-G.
Other names: NC_000001.10:g.21880637T>G; c.61+2T>G (NM_001369805.2, NM_001369804.2, NM_001369803.2 and 1 more transcripts); c.-104-6482T>G (NM_001127501.4); c.-54-6482T>G (NM_001177520.3).
Identifiers: ClinVar variation 370303 (VCV000370303.7), dbSNP rs764322898, ClinGen allele CA666363.
Genomic context (GRCh38, chr1:21,554,144, plus strand): 5'-GATTTCACCATTCTTAGTACTGGCCATTGGCACCTGCCTTACTAACTCCTTAGTGCCAGG[T>G]ATGCTTGGGGACACAGGTGGAGGCATAAAAAGGTGGTGCAGATGGGGTATGATGAGGGCA-3'